The following is an entry in ClinVar:

ClinVar aggregate classification (germline): Pathogenic (1 of 4 stars; one submission).

Conditions:
Hepatoerythropoietic porphyria (HEP). Identifiers: Orphanet 95159, MedGen C0162569, MONDO:0019799.
Sporadic porphyria cutanea tarda. Also called: PCT, ''SPORADIC'' TYPE; Porphyria cutanea tarda, type I; PCT, TYPE I. Identifiers: Orphanet 101330, Orphanet 443057, MedGen C1867968, MONDO:0008295, OMIM 176090.

Submission:

Labcorp Genetics (formerly Invitae), Labcorp
Classification: Pathogenic. Last evaluated: 2021-10-15. Review status: criteria provided, single submitter. Criteria: Invitae Variant Classification Sherloc (09022015). Collection method: clinical testing. Allele origin: germline.
Comment: For these reasons, this variant has been classified as Pathogenic. This variant has not been reported in the literature in individuals affected with UROD-related conditions. This sequence change creates a premature translational stop signal (p.Ser129*) in the UROD gene. It is expected to result in an absent or disrupted protein product. Loss-of-function variants in UROD are known to be pathogenic (PMID: 1634232, 17240319, 19233912, 19419417, 23545314). This variant is not present in population databases (ExAC no frequency).

Literature cited by the submitters: PubMed 1634232 (cited by Labcorp Genetics (formerly Invitae), Labcorp); PubMed 17240319 (cited by Labcorp Genetics (formerly Invitae), Labcorp); PubMed 19233912 (cited by Labcorp Genetics (formerly Invitae), Labcorp); PubMed 19419417 (cited by Labcorp Genetics (formerly Invitae), Labcorp); PubMed 23545314 (cited by Labcorp Genetics (formerly Invitae), Labcorp).

NM_000374.5(UROD):c.385_386insAGT (p.Ser129Ter)

Gene: UROD (uroporphyrinogen decarboxylase; plus strand). Cytogenetic location: 1p34.1.
Variant type: Insertion.
Coding change: c.385_386insAGT on transcript NM_000374.5 (MANE Select); coding-DNA positions 385 to 386, AGT inserted.
Protein change: p.Ser129Ter; replaces serine 129 with a stop codon.
Molecular consequence: nonsense. On other transcripts: non-coding transcript variant (3).
Genome position: GRCh38 VCF-style: chr1-45013701-C-CTAG. GRCh37 (hg19) VCF-style: chr1-45479373-C-CTAG.
Other names: c.385_386insAGT (NM_000374.4); short protein forms S129*.
Identifiers: ClinVar variation 1353137 (VCV001353137.7), dbSNP rs2148982720, ClinGen allele CA2566933503.
Genomic context (GRCh38, chr1:45,013,701, plus strand): 5'-CCCAGAGCCATTAAGAGAAGAGCAGGACCTAGAACGCCTACGGGATCCAGAAGTGGTAGC[C>CTAG]TCTGAGCTAGGCTATGTGTTCCAAGCCATCACCCTTACCCGACAACGACTGGCTGGACGT-3'